The following is an entry in ClinVar:

ClinVar aggregate classification (germline): Likely benign (0 of 4 stars; one submission).

Conditions:
Breast-ovarian cancer, familial, susceptibility to, 1 (BROVCA1). Also called: BRCA1 Hereditary Breast and Ovarian Cancer; OVARIAN CANCER, SUSCEPTIBILITY TO. Identifiers: Orphanet 145, MedGen C2676676, MONDO:0011450, OMIM 604370. Disease mechanism: loss of function.

Submission:

Department of Medical and Surgical Sciences, University of Bologna
Classification: Likely benign for Breast-ovarian cancer, familial, susceptibility to, 1. Last evaluated: 2023-09-01. Review status: no assertion criteria provided. Collection method: clinical testing. Allele origin: germline. Affected: yes.
Comment: BP1(Strong) according to ACMG/AMP classification guidelines specified for BRCA1 & BRCA2 (Classification Criteria V1.0.0 2023-09-08) (PMID: 38160042)

NM_007294.4(BRCA1):c.1027_1028delinsTG (p.Asn343Cys)

Gene: BRCA1 (BRCA1 DNA repair associated; minus strand). Cytogenetic location: 17q21.31.
Variant type: Indel.
Coding change: c.1027_1028delinsTG on transcript NM_007294.4 (MANE Select); coding-DNA positions 1027 to 1028, AA replaced by TG.
Protein change: p.Asn343Cys; replaces asparagine 343 with cysteine.
Molecular consequence: missense variant. On other transcripts: intron variant (137).
Genome position (GRCh38, 1-based): chr17:43,094,503-43,094,504, TT replaced by CA on the plus strand (AA replaced by TG on the coding strand, the reverse complement: BRCA1 is on the minus strand). VCF-style: chr17-43094503-TT-CA. GRCh37 (hg19) VCF-style: chr17-41246520-TT-CA.
Other names: c.661+240_661+241delinsTG (NM_001408434.1, NM_001408447.1, NM_001408433.1 and 6 more transcripts); c.784+240_784+241delinsTG (NM_001408398.1, NM_001407992.1, NM_001408400.1 and 13 more transcripts); c.664+240_664+241delinsTG (NM_001408440.1, NM_001408428.1, NM_001408441.1 and 12 more transcripts); c.670+1342_670+1343delinsTG (NM_001408418.1, NM_001408423.1, NM_001408420.1 and 2 more transcripts); c.787+240_787+241delinsTG (NM_001407981.1, NM_007298.4, NM_001407978.1 and 19 more transcripts); c.643+240_643+241delinsTG (NM_001408462.1, NM_001408470.1, NM_001408464.1 and 3 more transcripts); c.709+240_709+241delinsTG (NM_001408414.1, NM_001408411.1, NM_001408415.1 and 2 more transcripts); c.577+240_577+241delinsTG (NM_001408514.1, NM_001408485.1, NM_001408483.1 and 9 more transcripts); and 40 more; short protein forms N175C, N215C, N216C, N231C, N232C, N254C, N255C, N272C.
Identifiers: ClinVar variation 2683811 (VCV002683811.1), dbSNP rs2552224755, ClinGen allele CA2697554275.